The following is an entry in ClinVar:

ClinVar aggregate classification (germline): Uncertain significance (1 of 4 stars; one submission).

Submission:

Labcorp Genetics (formerly Invitae), Labcorp
Classification: Uncertain significance. Last evaluated: 2023-12-09. Review status: criteria provided, single submitter. Criteria: Invitae Variant Classification Sherloc (09022015). Collection method: clinical testing. Allele origin: germline.
Comment: This sequence change replaces leucine, which is neutral and non-polar, with phenylalanine, which is neutral and non-polar, at codon 427 of the SLC7A14 protein (p.Leu427Phe). This variant is not present in population databases (gnomAD no frequency). This variant has not been reported in the literature in individuals affected with SLC7A14-related conditions. An algorithm developed to predict the effect of missense changes on protein structure and function (PolyPhen-2) suggests that this variant is likely to be disruptive. In summary, the available evidence is currently insufficient to determine the role of this variant in disease. Therefore, it has been classified as a Variant of Uncertain Significance.

NM_020949.3(SLC7A14):c.1281G>C (p.Leu427Phe)

Genes: SLC7A14 (solute carrier family 7 member 14; minus strand), SLC7A14-AS1 (SLC7A14 antisense RNA 1; plus strand). Cytogenetic location: 3q26.2.
Variant type: single nucleotide variant.
Coding change: c.1281G>C on transcript NM_020949.3 (MANE Select); coding-DNA position 1281, G replaced by C.
Protein change: p.Leu427Phe; replaces leucine 427 with phenylalanine.
Molecular consequence: missense variant.
Genome position (GRCh38, 1-based): chr3:170,481,001, C>G on the plus strand (G>C on the coding strand, the complement: SLC7A14 is on the minus strand). VCF-style: chr3-170481001-C-G. GRCh37 (hg19) VCF-style: chr3-170198790-C-G.
Other names: short protein forms L427F.
Identifiers: ClinVar variation 3007692 (VCV003007692.3), dbSNP rs2473368067, ClinGen allele CA355490861.